The following is an entry in ClinVar:

NM_015001.3(SPEN):c.6582_6596dup (p.Glu2201_Asp2202insGlyLeuAlaProGlu)

Gene: SPEN (spen family transcriptional repressor; plus strand). Cytogenetic location: 1p36.13.
Variant type: Duplication.
Coding change: c.6582_6596dup on transcript NM_015001.3 (MANE Select); coding-DNA positions 6582 to 6596, 15 bases duplicated (ACCAGAGGGCCTTGC).
Protein change: p.Glu2201_Asp2202insGlyLeuAlaProGlu.
Genome position (GRCh38, 1-based): chr1:15,932,822-15,932,836, ACCAGAGGGCCTTGC duplicated; duplicating any 15 consecutive bases within chr1:15,932,819-15,932,836 gives the same sequence; the c. name uses the placement nearest the transcript's 3' end. VCF-style (leftmost placement, unchanged base first): chr1-15932818-A-ATGCACCAGAGGGCCT. GRCh37 (hg19) VCF-style: chr1-16259313-A-ATGCACCAGAGGGCCT.
Identifiers: ClinVar variation 3766313 (VCV003766313.1).

ClinVar aggregate classification (germline): Uncertain significance (1 of 4 stars; one submission).

Submission:

GeneDx
Classification: Uncertain significance. Last evaluated: 2024-08-28. Review status: criteria provided, single submitter. Criteria: GeneDx Variant Classification Process June 2021. Collection method: clinical testing. Allele origin: germline. Affected: yes.
Comment: Not observed at significant frequency in large population cohorts (gnomAD); In-frame insertion of 5 amino acids in a non-repeat region; Has not been previously published as pathogenic or benign to our knowledge